The following is an entry in ClinVar:

ClinVar aggregate classification (germline): Likely benign. Review status: criteria provided, multiple submitters, no conflicts (2 of 4 stars). 3 submissions from 3 submitters: Likely benign (2). 1 of the submissions does not count toward it. Last evaluated 2025-12-30.

Conditions:
SGSH-related disorder. Also called: SGSH-related condition.
Mucopolysaccharidosis, MPS-III-A (MPS3A). Also called: MUCOPOLYSACCHARIDOSIS, TYPE IIIA, ATTENUATED; HEPARAN SULFATE SULFATASE DEFICIENCY; SANFILIPPO SYNDROME A; SULFAMIDASE DEFICIENCY; Mucopolysaccharidosis, type IIIA; MPS III A. Identifiers: Orphanet 581, Orphanet 79269, MedGen C0086647, MONDO:0009655, OMIM 252900.

Allele frequency attached by ClinVar (database versions not stated): ExAC 0.00016; 1000 Genomes Project 30x 0.00109; gnomAD 0.00001 and 0.00005; gnomAD exomes 0.00004 and 0.00010; TOPMed 0.00002; 1000 Genomes Project 0.00100.
gnomAD v4.1: 66 of 1,613,572 alleles (0.0041%); highest among the groups gnomAD compares: South Asian, 0.059%; 1 homozygote.

Submissions (3):

Labcorp Genetics (formerly Invitae), Labcorp
Classification: Likely benign for Mucopolysaccharidosis, MPS-III-A. Last evaluated: 2025-12-30. Review status: criteria provided, single submitter. Criteria: Invitae Variant Classification Sherloc (09022015). Collection method: clinical testing. Allele origin: germline.

Blueprint Genetics
Classification: Likely benign. Last evaluated: 2023-12-29. Review status: criteria provided, single submitter. Criteria: ACMG Guidelines, 2015. Collection method: clinical testing. Allele origin: germline.

PreventionGenetics, part of Exact Sciences
Classification: Likely benign for SGSH-related condition. Last evaluated: 2024-05-23. Review status: no assertion criteria provided. Collection method: clinical testing. Allele origin: germline. Not counted in ClinVar's aggregate classification.
Comment: This variant is classified as likely benign based on ACMG/AMP sequence variant interpretation guidelines (Richards et al. 2015 PMID: 25741868, with internal and published modifications).

NM_000199.5(SGSH):c.864G>A (p.Pro288=)

Gene: SGSH (N-sulfoglucosamine sulfohydrolase; minus strand). Cytogenetic location: 17q25.3.
Variant type: single nucleotide variant.
Coding change: c.864G>A on transcript NM_000199.5 (MANE Select); coding-DNA position 864, G replaced by A.
Protein change: p.Pro288=; no amino-acid change (proline 288 retained).
Molecular consequence: synonymous variant. On other transcripts: non-coding transcript variant (1).
Genome position (GRCh38, 1-based): chr17:80,212,156, C>T on the plus strand (G>A on the coding strand, the complement: SGSH is on the minus strand). VCF-style: chr17-80212156-C-T. GRCh37 (hg19) VCF-style: chr17-78185955-C-T.
Other names: c.864G>A, p.Pro288= (NM_001352921.3, NM_001352922.2).
Identifiers: ClinVar variation 718868 (VCV000718868.13), dbSNP rs573496328, ClinGen allele CA8817760.
Genomic context (GRCh38, chr17:80,212,156, plus strand): 5'-GACTTGGCCCCAGCGTTTTGGGTGCTCCGGGGATGACACCAGTAAGGGTTCAGCAGTGCC[C>T]GGCCAGTACAGGTTGGTCCTGCCGCTGGGGAAGGGGATCCCGTTGTCGGACGTGAAGATC-3'
Protein context (NP_000190.1, residues 278-298): FPSGRTNLYW[Pro288=]GTAEPLLVSS